The following is an entry in ClinVar:

ClinVar aggregate classification (germline): Uncertain significance (1 of 4 stars; one submission).

Conditions:
Early-infantile DEE. Also called: Ohtahara syndrome; Early infantile epileptic encephalopathy; Early infantile epileptic encephalopathy with suppression bursts. Identifiers: Orphanet 1934, MedGen C0393706, MONDO:0800491.

Allele frequency attached by ClinVar (database versions not stated): ExAC 0.00001; gnomAD exomes 0.00001; TOPMed 0.00001.
gnomAD v4.1: 3 of 1,613,152 alleles (0.00019%); highest among the groups gnomAD compares: Admixed American, 0.005%; no homozygotes.

Submission:

Labcorp Genetics (formerly Invitae), Labcorp
Classification: Uncertain significance for Early-infantile DEE. Last evaluated: 2022-05-04. Review status: criteria provided, single submitter. Criteria: Invitae Variant Classification Sherloc (09022015). Collection method: clinical testing. Allele origin: germline.
Comment: In summary, the available evidence is currently insufficient to determine the role of this variant in disease. Therefore, it has been classified as a Variant of Uncertain Significance. Variants that disrupt the consensus splice site are a relatively common cause of aberrant splicing (PMID: 17576681, 9536098). Algorithms developed to predict the effect of sequence changes on RNA splicing suggest that this variant is not likely to affect RNA splicing. This variant has not been reported in the literature in individuals affected with ARHGEF15-related conditions. This variant is present in population databases (rs779202222, gnomAD 0.006%). This sequence change falls in intron 12 of the ARHGEF15 gene. It does not directly change the encoded amino acid sequence of the ARHGEF15 protein. It affects a nucleotide within the consensus splice site.

Literature cited by the submitters: PubMed 17576681; PubMed 9536098.

NM_173728.4(ARHGEF15):c.2034-3C>T

Gene: ARHGEF15 (Rho guanine nucleotide exchange factor 15; plus strand). Cytogenetic location: 17p13.1.
Variant type: single nucleotide variant.
Coding change: c.2034-3C>T on transcript NM_173728.4 (MANE Select); 3 bases into the intron before coding-DNA position 2034, C replaced by T.
Molecular consequence: intron variant.
Genome position (GRCh38, 1-based): chr17:8,319,004, C>T. VCF-style: chr17-8319004-C-T. GRCh37 (hg19) VCF-style: chr17-8222322-C-T.
Other names: c.2034-3C>T (NM_025014.2).
Identifiers: ClinVar variation 1931108 (VCV001931108.5), dbSNP rs779202222, ClinGen allele CA8375413.
Genomic context (GRCh38, chr17:8,319,004, plus strand): 5'-AGTGGGCAGGAGGGGTCCAGCGGGACCCCTGCTGTCCTTCTGAACGACCTCATCCCTGGG[C>T]AGTGGGCAGCGGTTACAGGTTCTGGACTATGCCCATCGCTCCCTGGTCCAGGCCCAGCAG-3'